The following is an entry in ClinVar:

NM_005157.6(ABL1):c.2352C>G (p.Pro784=)

Gene: ABL1 (ABL proto-oncogene 1, non-receptor tyrosine kinase; plus strand). Cytogenetic location: 9q34.12.
Variant type: single nucleotide variant.
Coding change: c.2352C>G on transcript NM_005157.6 (MANE Select); coding-DNA position 2352, C replaced by G.
Protein change: p.Pro784=; no amino-acid change (proline 784 retained).
Molecular consequence: synonymous variant.
Genome position (GRCh38, 1-based): chr9:130,884,642, C>G. VCF-style: chr9-130884642-C-G. GRCh37 (hg19) VCF-style: chr9-133760029-C-G.
Other names: c.2409C>G, p.Pro803= (NM_007313.3); c.2409C>G (NM_007313.2).
Identifiers: ClinVar variation 1596447 (VCV001596447.12), dbSNP rs2229070, ClinGen allele CA5285679.

ClinVar aggregate classification (germline): Benign. Review status: criteria provided, multiple submitters, no conflicts (2 of 4 stars). 4 submissions from 4 submitters: Benign (3). 1 of the submissions does not count toward it. Last evaluated 2026-02-04.

Conditions:
ABL1-related disorder. Also called: ABL1-related condition.

Allele frequency attached by ClinVar (database versions not stated): 1000 Genomes Project 0.10663; 1000 Genomes Project 30x 0.11181; ESP Exome Variant Server 0.12363.
gnomAD v4.1: 124,593 of 1,613,210 alleles (7.7%); highest among the groups gnomAD compares: African/African-American, 24%; 6,295 homozygotes.

Submissions (4):

Labcorp Genetics (formerly Invitae), Labcorp
Classification: Benign. Last evaluated: 2026-02-04. Review status: criteria provided, single submitter. Criteria: Invitae Variant Classification Sherloc (09022015). Collection method: clinical testing. Allele origin: germline.

Blueprint Genetics
Classification: Benign. Last evaluated: 2024-11-27. Review status: criteria provided, single submitter. Criteria: ACMG Guidelines, 2015. Collection method: clinical testing. Allele origin: germline.

Breakthrough Genomics
Classification: Benign. Review status: criteria provided, single submitter. Criteria: ACMG Guidelines, 2015. Collection method: not provided. Allele origin: germline. Inheritance: Autosomal dominant inheritance. Affected: yes.

PreventionGenetics, part of Exact Sciences
Classification: Benign for ABL1-related condition. Last evaluated: 2019-11-26. Review status: no assertion criteria provided. Collection method: clinical testing. Allele origin: germline. Not counted in ClinVar's aggregate classification.
Comment: This variant is classified as benign based on ACMG/AMP sequence variant interpretation guidelines (Richards et al. 2015 PMID: 25741868, with internal and published modifications).